The following is an entry in ClinVar:

ClinVar aggregate classification (germline): Likely benign. Review status: criteria provided, multiple submitters, no conflicts (2 of 4 stars). 3 submissions from 3 submitters: Likely benign (3). Last evaluated 2025-10-06.

Conditions:
Birt-Hogg-Dube syndrome 1 (BHD1). Also called: FIBROFOLLICULOMAS WITH TRICHODISCOMAS AND ACROCHORDONS. Identifiers: Orphanet 122, MedGen CN375946, MONDO:0800445, OMIM 135150.
Birt-Hogg-Dube syndrome. Also called: Birt Hogg Dubé syndrome. Identifiers: Orphanet 122, MedGen C0346010, MONDO:0800444.

Allele frequency attached by ClinVar (database versions not stated): TOPMed below 0.00001; gnomAD 0.00001; gnomAD exomes 0.00001.
gnomAD v4.1: 10 of 1,613,506 alleles (0.00062%); highest among the groups gnomAD compares: South Asian, 0.0033%; no homozygotes.

Submissions (3):

Labcorp Genetics (formerly Invitae), Labcorp
Classification: Likely benign for Birt-Hogg-Dube syndrome. Last evaluated: 2025-10-06. Review status: criteria provided, single submitter. Criteria: Invitae Variant Classification Sherloc (09022015). Collection method: clinical testing. Allele origin: germline.

Myriad Genetics, Inc.
Classification: Likely benign for Birt-Hogg-Dube syndrome 1. Last evaluated: 2024-10-25. Review status: criteria provided, single submitter. Criteria: Myriad Autosomal Dominant, Autosomal Recessive and X-Linked Classification Criteria (2023). Collection method: clinical testing. Allele origin: unknown.
Comment: This variant is considered likely benign. This variant is intronic and is not expected to impact mRNA splicing.

Blueprint Genetics
Classification: Likely benign. Last evaluated: 2023-02-15. Review status: criteria provided, single submitter. Criteria: ACMG Guidelines, 2015. Collection method: clinical testing. Allele origin: germline.

NM_144997.7(FLCN):c.1538+8A>G

Gene: FLCN (folliculin; minus strand). Cytogenetic location: 17p11.2.
Variant type: single nucleotide variant.
Coding change: c.1538+8A>G on transcript NM_144997.7 (MANE Select); 8 bases into the intron after coding-DNA position 1538, A replaced by G.
Molecular consequence: intron variant.
Genome position (GRCh38, 1-based): chr17:17,214,977, T>C on the plus strand (A>G on the coding strand, the complement: FLCN is on the minus strand). VCF-style: chr17-17214977-T-C. GRCh37 (hg19) VCF-style: chr17-17118291-T-C.
Other names: c.1538+8A>G (NM_001353231.2, NM_001353230.2); c.1592+8A>G (NM_001353229.2).
Identifiers: ClinVar variation 1108199 (VCV001108199.9), dbSNP rs1471623826, ClinGen allele CA625314000.